The following is an entry in ClinVar:

NM_000722.4(CACNA2D1):c.2133G>T (p.Gln711His)

Gene: CACNA2D1 (calcium voltage-gated channel auxiliary subunit alpha2delta 1; minus strand). Cytogenetic location: 7q21.11.
Variant type: single nucleotide variant.
Coding change: c.2133G>T on transcript NM_000722.4 (MANE Select); coding-DNA position 2133, G replaced by T.
Protein change: p.Gln711His; replaces glutamine 711 with histidine.
Molecular consequence: missense variant.
Genome position (GRCh38, 1-based): chr7:81,971,785, C>A on the plus strand (G>T on the coding strand, the complement: CACNA2D1 is on the minus strand). VCF-style: chr7-81971785-C-A. GRCh37 (hg19) VCF-style: chr7-81601101-C-A.
Other names: c.2169G>T, p.Gln723His (NM_001366867.1); short protein forms Q711H, Q723H.
Identifiers: ClinVar variation 2585869 (VCV002585869.2), dbSNP rs1351471407, ClinGen allele CA367891510.

ClinVar aggregate classification (germline): Uncertain significance (1 of 4 stars; one submission).

Conditions:
Cardiovascular phenotype. Identifiers: MedGen CN230736.

Submission:

Ambry Genetics
Classification: Uncertain significance for Cardiovascular phenotype. Last evaluated: 2023-07-05. Review status: criteria provided, single submitter. Criteria: Ambry Variant Classification Scheme 2023. Collection method: clinical testing. Allele origin: germline.
Comment: The p.Q711H variant (also known as c.2133G>T), located in coding exon 26 of the CACNA2D1 gene, results from a G to T substitution at nucleotide position 2133. The glutamine at codon 711 is replaced by histidine, an amino acid with highly similar properties. This amino acid position is conserved. In addition, this alteration is predicted to be tolerated by in silico analysis. Since supporting evidence is limited at this time, the clinical significance of this alteration remains unclear.